The following is an entry in ClinVar:

ClinVar aggregate classification (germline): Likely pathogenic (1 of 4 stars; one submission).

Conditions:
Pseudohypoaldosteronism type 2A (PHA2A). Also called: GORDON HYPERKALEMIA-HYPERTENSION SYNDROME; HYPERTENSIVE HYPERKALEMIA, FAMILIAL. Identifiers: Orphanet 757, Orphanet 88938, MedGen C1840389, MONDO:0007772, OMIM 145260.

Submission:

GenePathDx, GenePath diagnostics
Classification: Likely pathogenic for Pseudohypoaldosteronism type 2A. Last evaluated: 2016-09-29. Review status: criteria provided, single submitter. Criteria: GenePath Dx Variant Classification Criteria (2016), v1. Collection method: clinical testing. Allele origin: germline. Inheritance: Autosomal dominant inheritance. Affected: yes. Observed: 1 variant allele, 1 heterozygote.
Comment: In next generation sequencing we found this novel single nucleotide variant which has not been reported in published literature or in the annotated databases. This variant is located at the last nucleotide of the exon 9 of CUL3 gene. This is a synonymous variant but is predicted to affect splicing by the in silico prediction software Human splicing finder and "disease causing" by MutationTaster. Other mutations/ pathogenic variants for this gene which are reported in the literature, cluster in the same region (intron 8, exon 9, and intron 9). These alterations impair splicing of exon 9. Based on available evidence in the published literature and databases and in silico analysis, this variant is being classified as a ‘variant of unknown significance, likely pathogenic’.

NM_003590.5(CUL3):c.1377G>A (p.Lys459=)

Gene: CUL3 (cullin 3; minus strand). Cytogenetic location: 2q36.2.
Variant type: single nucleotide variant.
Coding change: c.1377G>A on transcript NM_003590.5 (MANE Select); coding-DNA position 1377, G replaced by A.
Protein change: p.Lys459=; no amino-acid change (lysine 459 retained).
Molecular consequence: synonymous variant.
Genome position (GRCh38, 1-based): chr2:224,503,652, C>T on the plus strand (G>A on the coding strand, the complement: CUL3 is on the minus strand). VCF-style: chr2-224503652-C-T. GRCh37 (hg19) VCF-style: chr2-225368369-C-T.
Other names: NM_001257198(CUL3):c.1395G>A; c.1179G>A, p.Lys393= (NM_001257197.2); c.1395G>A, p.Lys465= (NM_001257198.2).
Identifiers: ClinVar variation 266041 (VCV000266041.3), dbSNP rs886038765, ClinGen allele CA10602470.